The following is an entry in ClinVar:

NM_020822.3(KCNT1):c.3502+16G>A

Gene: KCNT1 (potassium sodium-activated channel subfamily T member 1; plus strand). Cytogenetic location: 9q34.3.
Variant type: single nucleotide variant.
Coding change: c.3502+16G>A on transcript NM_020822.3 (MANE Select); 16 bases into the intron after coding-DNA position 3502, G replaced by A.
Molecular consequence: intron variant.
Genome position (GRCh38, 1-based): chr9:135,786,537, G>A. VCF-style: chr9-135786537-G-A. GRCh37 (hg19) VCF-style: chr9-138678383-G-A.
Other names: c.3367+16G>A (NM_001272003.2).
Identifiers: ClinVar variation 261363 (VCV000261363.16), dbSNP rs112116686, ClinGen allele CA5327838.

ClinVar aggregate classification (germline): Benign. Review status: criteria provided, multiple submitters, no conflicts (2 of 4 stars). 7 submissions from 6 submitters: Benign (7). Last evaluated 2026-02-03.

Conditions:
Developmental and epileptic encephalopathy, 14 (DEE14). Also called: Early infantile epileptic encephalopathy 14. Identifiers: Orphanet 293181, MedGen C3554195, MONDO:0013989, OMIM 614959.
Autosomal dominant nocturnal frontal lobe epilepsy 5. Also called: CILIARY DYSKINESIA, PRIMARY, 28, WITHOUT SITUS INVERSUS; KCNT1-Related Epilepsy; CILIARY DYSKINESIA, PRIMARY, 28, WITH SITUS INVERSUS; Epilepsy, nocturnal frontal lobe, 5. Identifiers: Orphanet 98784, MedGen C3554306, MONDO:0014002, OMIM 615005.

Allele frequency attached by ClinVar (database versions not stated): gnomAD exomes 0.00128 and 0.00297; ExAC 0.00559; ESP Exome Variant Server 0.01154; gnomAD 0.01353 and 0.01447; 1000 Genomes Project 0.01538; TOPMed 0.01575; 1000 Genomes Project 30x 0.01780.
gnomAD v4.1: 3,937 of 1,566,650 alleles (0.25%); highest among the groups gnomAD compares: African/African-American, 4.4%; 73 homozygotes.

Submissions (7):

Labcorp Genetics (formerly Invitae), Labcorp
Classification: Benign for Autosomal dominant nocturnal frontal lobe epilepsy 5; Developmental and epileptic encephalopathy, 14. Last evaluated: 2026-02-03. Review status: criteria provided, single submitter. Criteria: Invitae Variant Classification Sherloc (09022015). Collection method: clinical testing. Allele origin: germline.

Genome-Nilou Lab
Classification: Benign for Developmental and epileptic encephalopathy, 14. Last evaluated: 2022-03-15. Review status: criteria provided, single submitter. Criteria: ACMG Guidelines, 2015. Collection method: clinical testing. Allele origin: germline. Affected: no.

Genome-Nilou Lab
Classification: Benign for Autosomal dominant nocturnal frontal lobe epilepsy 5. Last evaluated: 2022-03-15. Review status: criteria provided, single submitter. Criteria: ACMG Guidelines, 2015. Collection method: clinical testing. Allele origin: germline. Affected: no.

Eurofins Ntd Llc (ga)
Classification: Benign. Last evaluated: 2016-11-03. Review status: criteria provided, single submitter. Criteria: EGL Classification Definitions 2015. Collection method: clinical testing. Allele origin: germline. Observed: 2 variant alleles, 2 heterozygotes.

GeneDx
Classification: Benign. Last evaluated: 2016-01-12. Review status: criteria provided, single submitter. Criteria: GeneDx Variant Classification (06012015). Collection method: clinical testing. Allele origin: germline. Affected: yes.
Comment: This variant is considered likely benign or benign based on one or more of the following criteria: it is a conservative change, it occurs at a poorly conserved position in the protein, it is predicted to be benign by multiple in silico algorithms, and/or has population frequency not consistent with disease.

Breakthrough Genomics
Classification: Benign. Review status: criteria provided, single submitter. Criteria: ACMG Guidelines, 2015. Collection method: not provided. Allele origin: germline. Inheritance: Autosomal dominant inheritance. Affected: yes.

PreventionGenetics, part of Exact Sciences
Classification: Benign. Review status: criteria provided, single submitter. Criteria: ACMG Guidelines, 2015. Collection method: clinical testing. Allele origin: germline.